The following is an entry in ClinVar:

ClinVar aggregate classification (germline): Pathogenic (1 of 4 stars; one submission).

Conditions:
Marfan syndrome (MFS). Also called: MARFAN SYNDROME, TYPE I; Marfan syndrome type 1; Marfan's syndrome; Marfan syndrome, classic; FBN1-Related Marfan Syndrome. Identifiers: Orphanet 284963, Orphanet 558, MedGen C0024796, MONDO:0007947, OMIM 154700.
Familial thoracic aortic aneurysm and aortic dissection (TAAD). Also called: Thoracic aortic aneurysms and dissections. Identifiers: Orphanet 91387, MedGen C4707243, MONDO:0019625.

Submission:

Labcorp Genetics (formerly Invitae), Labcorp
Classification: Pathogenic for Marfan syndrome; Familial thoracic aortic aneurysm and aortic dissection. Last evaluated: 2022-11-25. Review status: criteria provided, single submitter. Criteria: Invitae Variant Classification Sherloc (09022015). Collection method: clinical testing. Allele origin: germline.
Comment: This variant is not present in population databases (gnomAD no frequency). For these reasons, this variant has been classified as Pathogenic. This variant has not been reported in the literature in individuals affected with FBN1-related conditions. This sequence change creates a premature translational stop signal (p.Cys950*) in the FBN1 gene. It is expected to result in an absent or disrupted protein product. Loss-of-function variants in FBN1 are known to be pathogenic (PMID: 17657824, 19293843).

Literature cited by the submitters: PubMed 17657824; PubMed 19293843.

NM_000138.5(FBN1):c.2850T>A (p.Cys950Ter)

Gene: FBN1 (fibrillin 1; minus strand). Cytogenetic location: 15q21.1.
Variant type: single nucleotide variant.
Coding change: c.2850T>A on transcript NM_000138.5 (MANE Select); coding-DNA position 2850, T replaced by A.
Protein change: p.Cys950Ter; replaces cysteine 950 with a stop codon.
Molecular consequence: nonsense.
Genome position (GRCh38, 1-based): chr15:48,492,465, A>T on the plus strand (T>A on the coding strand, the complement: FBN1 is on the minus strand). VCF-style: chr15-48492465-A-T. GRCh37 (hg19) VCF-style: chr15-48784662-A-T.
Other names: c.2850T>A, p.Cys950Ter (NM_001406716.1); short protein forms C950*.
Identifiers: ClinVar variation 2941474 (VCV002941474.3), dbSNP rs2505564245, ClinGen allele CA392330407.